The following is an entry in ClinVar:

NM_172366.4(FBXO16):c.321G>A (p.Arg107=)

Gene: FBXO16 (F-box protein 16; minus strand). Cytogenetic location: 8p21.1.
Variant type: single nucleotide variant.
Coding change: c.321G>A on transcript NM_172366.4 (MANE Select); coding-DNA position 321, G replaced by A.
Protein change: p.Arg107=; no amino-acid change (arginine 107 retained).
Molecular consequence: synonymous variant.
Genome position (GRCh38, 1-based): chr8:28,463,633, C>T on the plus strand (G>A on the coding strand, the complement: FBXO16 is on the minus strand). VCF-style: chr8-28463633-C-T. GRCh37 (hg19) VCF-style: chr8-28321150-C-T.
Other names: c.285G>A, p.Arg95= (NM_001258211.2).
Identifiers: ClinVar variation 3234525 (VCV003234525.20), dbSNP rs1167668089, ClinGen allele CA460068318.

ClinVar aggregate classification (germline): Likely benign (1 of 4 stars; one submission).

Allele frequency attached by ClinVar (database versions not stated): gnomAD exomes below 0.00001; gnomAD 0.00001.
gnomAD v4.1: 3 of 1,613,936 alleles (0.00019%); highest among the groups gnomAD compares: African/African-American, 0.0013%; no homozygotes.

Submission:

CeGaT Center for Human Genetics Tuebingen
Classification: Likely benign. Last evaluated: 2026-05-01. Review status: criteria provided, single submitter. Criteria: CeGaT Center For Human Genetics Tuebingen Variant Classification Criteria Version 2. Collection method: clinical testing. Allele origin: germline. Affected: yes. Observed: 3 variant alleles.
Comment: FBXO16: BP4, BP7